The following is an entry in ClinVar:

ClinVar aggregate classification (germline): Benign. Review status: criteria provided, multiple submitters, no conflicts (2 of 4 stars). 2 submissions from 2 submitters: Benign (2). Last evaluated 2018-06-14.

Allele frequency attached by ClinVar (database versions not stated): gnomAD exomes 0.02381; gnomAD 0.11521 and 0.12115; TOPMed 0.13125; 1000 Genomes Project 0.14736; 1000 Genomes Project 30x 0.15662.
gnomAD v4.1: 27,140 of 543,930 alleles (5%); highest among the groups gnomAD compares: African/African-American, 36%; 3,719 homozygotes.

Submissions (2):

GeneDx
Classification: Benign. Last evaluated: 2018-06-14. Review status: criteria provided, single submitter. Criteria: GeneDx Variant Classification (06012015). Collection method: clinical testing. Allele origin: germline. Affected: yes.
Comment: This variant is considered likely benign or benign based on one or more of the following criteria: it is a conservative change, it occurs at a poorly conserved position in the protein, it is predicted to be benign by multiple in silico algorithms, and/or has population frequency not consistent with disease.

Breakthrough Genomics
Classification: Benign. Review status: criteria provided, single submitter. Criteria: ACMG Guidelines, 2015. Collection method: not provided. Allele origin: germline. Inheritance: Autosomal dominant inheritance. Affected: yes.

NM_001035.3(RYR2):c.9128+112A>G

Gene: RYR2 (ryanodine receptor 2; plus strand). Cytogenetic location: 1q43.
Variant type: single nucleotide variant.
Coding change: c.9128+112A>G on transcript NM_001035.3 (MANE Select); 112 bases into the intron after coding-DNA position 9128, A replaced by G.
Molecular consequence: intron variant.
Genome position (GRCh38, 1-based): chr1:237,699,137, A>G. VCF-style: chr1-237699137-A-G. GRCh37 (hg19) VCF-style: chr1-237862437-A-G.
Identifiers: ClinVar variation 672923 (VCV000672923.2), dbSNP rs10925497, ClinGen allele CA39785594.